The following is an entry in ClinVar:

ClinVar aggregate classification (germline): Uncertain significance. Review status: criteria provided, multiple submitters, no conflicts (2 of 4 stars). 2 submissions from 2 submitters: Uncertain significance (2). Last evaluated 2025-07-22.

gnomAD v4.1: 6 of 1,613,994 alleles (0.00037%); highest among the groups gnomAD compares: Non-Finnish European, 0.00042%; no homozygotes.

Submissions (2):

Athena Diagnostics
Classification: Uncertain significance. Last evaluated: 2025-07-22. Review status: criteria provided, single submitter. Criteria: Athena Diagnostics Criteria. Collection method: clinical testing. Allele origin: unknown.
Comment: Available data are insufficient to determine the clinical significance of the variant at this time. This variant has not been reported in large, multi-ethnic general populations. Polyphen and MutationTaster predict this amino acid change may be benign.

Blueprint Genetics
Classification: Uncertain significance. Last evaluated: 2022-12-16. Review status: criteria provided, single submitter. Criteria: ACMG Guidelines, 2015. Collection method: clinical testing. Allele origin: germline.

NM_182961.4(SYNE1):c.9061T>G (p.Ser3021Ala)

Gene: SYNE1 (spectrin repeat containing nuclear envelope protein 1; minus strand). Cytogenetic location: 6q25.2.
Variant type: single nucleotide variant.
Coding change: c.9061T>G on transcript NM_182961.4 (MANE Select); coding-DNA position 9061, T replaced by G.
Protein change: p.Ser3021Ala; replaces serine 3021 with alanine.
Molecular consequence: missense variant.
Genome position (GRCh38, 1-based): chr6:152,376,861, A>C on the plus strand (T>G on the coding strand, the complement: SYNE1 is on the minus strand). VCF-style: chr6-152376861-A-C. GRCh37 (hg19) VCF-style: chr6-152697996-A-C.
Other names: c.9082T>G, p.Ser3028Ala (NM_033071.5); short protein forms S3021A, S3028A.
Identifiers: ClinVar variation 4682379 (VCV004682379.2).